The following is an entry in ClinVar:

NM_001367561.1(DOCK7):c.4801C>T (p.Leu1601=)

Gene: DOCK7 (dedicator of cytokinesis 7; minus strand). Cytogenetic location: 1p31.3.
Variant type: single nucleotide variant.
Coding change: c.4801C>T on transcript NM_001367561.1 (MANE Select); coding-DNA position 4801, C replaced by T.
Protein change: p.Leu1601=; no amino-acid change (leucine 1601 retained).
Molecular consequence: synonymous variant.
Genome position (GRCh38, 1-based): chr1:62,496,461, G>A on the plus strand (C>T on the coding strand, the complement: DOCK7 is on the minus strand). VCF-style: chr1-62496461-G-A. GRCh37 (hg19) VCF-style: chr1-62962132-G-A.
Other names: c.4774C>T (NM_001271999.1); c.4774C>T, p.Leu1592= (NM_001271999.2, NM_001330614.2); c.4681C>T, p.Leu1561= (NM_001272000.2, NM_001272001.2); c.4708C>T, p.Leu1570= (NM_033407.4).
Identifiers: ClinVar variation 1089850 (VCV001089850.11), dbSNP rs1379132589, ClinGen allele CA418007219.

ClinVar aggregate classification (germline): Likely benign. Review status: criteria provided, single submitter (1 of 4 stars). 2 submissions from 2 submitters: Likely benign (1). 1 of the submissions does not count toward it. Last evaluated 2022-08-31.

Conditions:
DOCK7-related disorder. Also called: DOCK7-related condition.
Developmental and epileptic encephalopathy, 23 (DEE23). Also called: Epileptic encephalopathy, early infantile, 23. Identifiers: Orphanet 411986, MedGen C4014492, MONDO:0014371, OMIM 615859.

Allele frequency attached by ClinVar (database versions not stated): gnomAD exomes below 0.00001 and 0.00001; TOPMed 0.00002; gnomAD 0.00003.
gnomAD v4.1: 14 of 1,613,346 alleles (0.00087%); highest among the groups gnomAD compares: South Asian, 0.0011%; no homozygotes.

Submissions (2):

Labcorp Genetics (formerly Invitae), Labcorp
Classification: Likely benign for Developmental and epileptic encephalopathy, 23. Last evaluated: 2022-08-31. Review status: criteria provided, single submitter. Criteria: Invitae Variant Classification Sherloc (09022015). Collection method: clinical testing. Allele origin: germline.

PreventionGenetics, part of Exact Sciences
Classification: Likely benign for DOCK7-related condition. Last evaluated: 2019-09-18. Review status: no assertion criteria provided. Collection method: clinical testing. Allele origin: germline. Not counted in ClinVar's aggregate classification.
Comment: This variant is classified as likely benign based on ACMG/AMP sequence variant interpretation guidelines (Richards et al. 2015 PMID: 25741868, with internal and published modifications).